The following is an entry in ClinVar:

ClinVar aggregate classification (germline): Uncertain significance. Review status: criteria provided, multiple submitters, no conflicts (2 of 4 stars). 5 submissions from 5 submitters: Uncertain significance (5). Last evaluated 2026-06-30.

Conditions:
Aortic aneurysm, familial thoracic 4 (AAT4). Also called: AORTIC ANEURYSM/AORTIC DISSECTION AND PATENT DUCTUS ARTERIOSUS. Identifiers: MedGen C1851504, MONDO:0007568, OMIM 132900.
Familial thoracic aortic aneurysm and aortic dissection (TAAD). Also called: Thoracic aortic aneurysms and dissections. Identifiers: Orphanet 91387, MedGen C4707243, MONDO:0019625.

Allele frequency attached by ClinVar (database versions not stated): TOPMed 0.00002; ExAC 0.00003.
gnomAD v4.1: 43 of 1,610,066 alleles (0.0027%); highest among the groups gnomAD compares: Non-Finnish European, 0.0033%; no homozygotes.

Submissions (5):

GeneDx
Classification: Uncertain significance. Last evaluated: 2026-06-30. Review status: criteria provided, single submitter. Criteria: GeneDx Variant Classification Process June 2021. Collection method: clinical testing. Allele origin: germline.
Comment: Has not been previously published as pathogenic or benign to our knowledge; In silico analysis suggests that this variant does not alter splicing; Reported using an alternate transcript of the gene

All of Us Research Program, National Institutes of Health
Classification: Uncertain significance for Familial thoracic aortic aneurysm and aortic dissection. Last evaluated: 2024-03-24. Review status: criteria provided, single submitter. Criteria: ACMG Guidelines, 2015. Collection method: clinical testing. Allele origin: germline. Inheritance: Autosomal dominant inheritance. Observed: 5 variant alleles, 5 heterozygotes.
Comment: This missense variant replaces proline with leucine at codon 1938 of the MYH11 protein. Computational prediction suggests that this variant may not impact protein structure and function (internally defined REVEL score threshold <= 0.5, PMID: 27666373). To our knowledge, functional studies have not been reported for this variant. This variant has not been reported in individuals affected with cardiovascular disorders in the literature. This variant has been identified in 6/243596 chromosomes in the general population by the Genome Aggregation Database (gnomAD). The available evidence is insufficient to determine the role of this variant in disease conclusively. Therefore, this variant is classified as a Variant of Uncertain Significance.

This study involves interpretation of variants in research participants for the purpose of population health screening. Participant phenotype was not available at the time of variant classification. Additional details can be found in publication PMID: 35346344, PMCID: PMC8962531

Color Diagnostics, LLC DBA Color Health
Classification: Uncertain significance for Familial thoracic aortic aneurysm and aortic dissection. Last evaluated: 2024-03-06. Review status: criteria provided, single submitter. Criteria: ACMG Guidelines, 2015. Collection method: clinical testing. Allele origin: germline.
Comment: This missense variant replaces proline with leucine at codon 1938 of the MYH11 protein. Computational prediction suggests that this variant may not impact protein structure and function (internally defined REVEL score threshold <= 0.5, PMID: 27666373). To our knowledge, functional studies have not been reported for this variant. This variant has not been reported in individuals affected with MYH11-related disorders in the literature. This variant has been identified in 6/243596 chromosomes in the general population by the Genome Aggregation Database (gnomAD). The available evidence is insufficient to determine the role of this variant in disease conclusively. Therefore, this variant is classified as a Variant of Uncertain Significance.

Labcorp Genetics (formerly Invitae), Labcorp
Classification: Uncertain significance for Aortic aneurysm, familial thoracic 4. Last evaluated: 2023-12-09. Review status: criteria provided, single submitter. Criteria: Invitae Variant Classification Sherloc (09022015). Collection method: clinical testing. Allele origin: germline.
Comment: This sequence change replaces proline, which is neutral and non-polar, with leucine, which is neutral and non-polar, at codon 1938 of the MYH11 protein (p.Pro1938Leu). This variant is present in population databases (rs765030635, gnomAD 0.005%). This variant has not been reported in the literature in individuals affected with MYH11-related conditions. ClinVar contains an entry for this variant (Variation ID: 920683). An algorithm developed to predict the effect of missense changes on protein structure and function (PolyPhen-2) suggests that this variant¬†is likely to be tolerated. In summary, the available evidence is currently insufficient to determine the role of this variant in disease. Therefore, it has been classified as a Variant of Uncertain Significance.

CHEO Genetics Diagnostic Laboratory, Children's Hospital of Eastern Ontario
Classification: Uncertain significance for Familial thoracic aortic aneurysm and aortic dissection. Last evaluated: 2019-11-28. Review status: criteria provided, single submitter. Criteria: ACMG Guidelines, 2015. Collection method: clinical testing. Allele origin: germline.

NM_001040113.2(MYH11):c.5813C>T (p.Pro1938Leu)

Genes: MYH11 (myosin heavy chain 11; minus strand), NDE1 (nudE neurodevelopment protein 1; plus strand). Cytogenetic location: 16p13.11.
Variant type: single nucleotide variant.
Coding change: c.5813C>T on transcript NM_001040113.2 (MANE Plus Clinical); coding-DNA position 5813, C replaced by T.
Protein change: p.Pro1938Leu; replaces proline 1938 with leucine.
Molecular consequence: missense variant. On other transcripts: intron variant (4).
Genome position (GRCh38, 1-based): chr16:15,708,836, G>A on the plus strand (C>T on the coding strand, the complement: MYH11 is on the minus strand). VCF-style: chr16-15708836-G-A. GRCh37 (hg19) VCF-style: chr16-15802693-G-A.
Other names: c.5792C>T, p.Pro1931Leu (NM_022844.3); c.947+11976G>A (NM_001143979.2, NM_017668.3); c.5787-4713C>T (NM_002474.3); c.5808-4713C>T (NM_001040114.2); short protein forms P1938L, P1931L.
Identifiers: ClinVar variation 920683 (VCV000920683.11), dbSNP rs765030635, ClinGen allele CA7921110.
Genomic context (GRCh38, chr16:15,708,836, plus strand): 5'-ACAGCTGCGAAGCTGAAGGCATGATACCTGGTGCATCACTGCGAAGTTTCCTGTGGGGGG[G>A]GCCCTCTGAAACAGAGAGAGAATCCCCGGAGGTTACCATCAGCAAACAAGAAGGAGCCCG-3'
Protein context (NP_001035202.1, residues 1928-1945): VNALKSKLRG[Pro1938Leu]PPQETSQ